The following is an entry in ClinVar:

NM_014915.3(ANKRD26):c.123C>A (p.His41Gln)

Genes: ANKRD26 (ankyrin repeat domain containing 26; minus strand), LOC130003554 (ATAC-STARR-seq lymphoblastoid silent region 2243; plus strand). Cytogenetic location: 10p12.1.
Variant type: single nucleotide variant.
Coding change: c.123C>A on transcript NM_014915.3 (MANE Select); coding-DNA position 123, C replaced by A.
Protein change: p.His41Gln; replaces histidine 41 with glutamine.
Molecular consequence: missense variant.
Genome position (GRCh38, 1-based): chr10:27,100,204, G>T on the plus strand (C>A on the coding strand, the complement: ANKRD26 is on the minus strand). VCF-style: chr10-27100204-G-T. GRCh37 (hg19) VCF-style: chr10-27389133-G-T.
Other names: c.123C>A, p.His41Gln (NM_001256053.2); short protein forms H41Q.
Identifiers: ClinVar variation 3913874 (VCV003913874.1).

ClinVar aggregate classification (germline): Uncertain significance (1 of 4 stars; one submission).

Conditions:
Inborn genetic diseases. Identifiers: MedGen C0950123, MeSH D030342.

gnomAD v4.1: 2 of 1,613,630 alleles (0.00012%); highest among the groups gnomAD compares: Non-Finnish European, 0.00017%; no homozygotes.

Submission:

Ambry Genetics
Classification: Uncertain significance for Inborn genetic diseases. Last evaluated: 2025-04-25. Review status: criteria provided, single submitter. Criteria: Ambry Variant Classification Scheme 2023. Collection method: clinical testing. Allele origin: germline.
Comment: The p.H41Q variant (also known as c.123C>A), located in coding exon 1 of the ANKRD26 gene, results from a C to A substitution at nucleotide position 123. The histidine at codon 41 is replaced by glutamine, an amino acid with highly similar properties. This amino acid position is conserved. In addition, this alteration is predicted to be tolerated by in silico analysis. Based on the available evidence, the clinical significance of this variant remains unclear.